The following is an entry in ClinVar:

NM_007373.4(SHOC2):c.1095T>C (p.Asn365=)

Gene: SHOC2 (SHOC2 leucine rich repeat scaffold protein; plus strand). Cytogenetic location: 10q25.2.
Variant type: single nucleotide variant.
Coding change: c.1095T>C on transcript NM_007373.4 (MANE Select); coding-DNA position 1095, T replaced by C.
Protein change: p.Asn365=; no amino-acid change (asparagine 365 retained).
Molecular consequence: synonymous variant. On other transcripts: non-coding transcript variant (1).
Genome position (GRCh38, 1-based): chr10:111,004,728, T>C. VCF-style: chr10-111004728-T-C. GRCh37 (hg19) VCF-style: chr10-112764486-T-C.
Other names: c.957T>C, p.Asn319= (NM_001269039.3); c.1095T>C, p.Asn365= (NM_001324336.2, NM_001324337.2).
Identifiers: ClinVar variation 2088950 (VCV002088950.28), dbSNP rs2493945713, ClinGen allele CA471464385.

ClinVar aggregate classification (germline): Conflicting classifications of pathogenicity. Review status: criteria provided, conflicting classifications (1 of 4 stars). 2 submissions from 2 submitters: Uncertain significance (1); Likely benign (1). Last evaluated 2022-09-01.

Conditions:
RASopathy. Also called: Noonan spectrum disorder; rasopathies. Identifiers: Orphanet 536391, MedGen C5555857, MONDO:0021060.

Allele frequency attached by ClinVar (database versions not stated): gnomAD exomes below 0.00001.
gnomAD v4.1: 1 of 1,613,780 alleles (0.000062%); highest among the groups gnomAD compares: South Asian, 0.0011%; no homozygotes.

Submissions (2):

CeGaT Center for Human Genetics Tuebingen
Classification: Uncertain significance. Last evaluated: 2022-09-01. Review status: criteria provided, single submitter. Criteria: CeGaT Center For Human Genetics Tuebingen Variant Classification Criteria Version 2. Collection method: clinical testing. Allele origin: germline. Affected: yes. Observed: 1 variant allele.
Comment: SHOC2: PM2:Supporting, BP4

Labcorp Genetics (formerly Invitae), Labcorp
Classification: Likely benign for RASopathy. Last evaluated: 2022-08-31. Review status: criteria provided, single submitter. Criteria: Invitae Variant Classification Sherloc (09022015). Collection method: clinical testing. Allele origin: germline.